The following is an entry in ClinVar:

ClinVar aggregate classification (germline): Uncertain significance (1 of 4 stars; one submission).

Conditions:
Progressive sclerosing poliodystrophy (MTDPS4A). Also called: ALPERS PROGRESSIVE INFANTILE POLIODYSTROPHY; NEURONAL DEGENERATION OF CHILDHOOD WITH LIVER DISEASE, PROGRESSIVE; Alpers Syndrome; ALPERS DIFFUSE DEGENERATION OF CEREBRAL GRAY MATTER WITH HEPATIC CIRRHOSIS; Alpers-Huttenlocher Syndrome; Mitochondrial DNA Depletion Syndrome 4A. Identifiers: Orphanet 726, MedGen C0205710, MONDO:0008758, OMIM 203700.

gnomAD v4.1: 1 of 1,536,106 alleles (0.000065%); highest among the groups gnomAD compares: African/African-American, 0.0014%; no homozygotes.

Submission:

Labcorp Genetics (formerly Invitae), Labcorp
Classification: Uncertain significance for Progressive sclerosing poliodystrophy. Last evaluated: 2023-12-18. Review status: criteria provided, single submitter. Criteria: Invitae Variant Classification Sherloc (09022015). Collection method: clinical testing. Allele origin: germline.
Comment: This sequence change replaces glycine, which is neutral and non-polar, with alanine, which is neutral and non-polar, at codon 11 of the POLG protein (p.Gly11Ala). This variant is not present in population databases (gnomAD no frequency). This variant has not been reported in the literature in individuals affected with POLG-related conditions. Advanced modeling of protein sequence and biophysical properties (such as structural, functional, and spatial information, amino acid conservation, physicochemical variation, residue mobility, and thermodynamic stability) performed at Invitae indicates that this missense variant is not expected to disrupt POLG protein function with a negative predictive value of 95%. In summary, the available evidence is currently insufficient to determine the role of this variant in disease. Therefore, it has been classified as a Variant of Uncertain Significance.

NM_002693.3(POLG):c.32G>C (p.Gly11Ala)

Genes: POLG (DNA polymerase gamma, catalytic subunit; minus strand), POLGARF (POLG alternative reading frame; minus strand). Cytogenetic location: 15q26.1.
Variant type: single nucleotide variant.
Coding change: c.32G>C on transcript NM_002693.3 (MANE Select); coding-DNA position 32, G replaced by C.
Protein change: p.Gly11Ala; replaces glycine 11 with alanine.
Molecular consequence: missense variant.
Genome position (GRCh38, 1-based): chr15:89,333,723, C>G on the plus strand (G>C on the coding strand, the complement: POLG is on the minus strand). VCF-style: chr15-89333723-C-G. GRCh37 (hg19) VCF-style: chr15-89876954-C-G.
Other names: c.32G>C, p.Gly11Ala (NM_001126131.2); short protein forms G11A.
Identifiers: ClinVar variation 2822958 (VCV002822958.3), dbSNP rs765472726, ClinGen allele CA393775290.
Genomic context (GRCh38, chr15:89,333,723, plus strand): 5'-GGGACGGAGCTGGAGACCCAGCGCCCCGGAGCTGGAACCGGCCCTGGCCCGACGGTGGCG[C>G]CGGCCACCTTCCTCCAGAGCAGGCGGCTCATGGTTGGTGCAGGGACCCCCACGCTGGGAG-3'
Protein context (NP_002684.1, residues 1-21): MSRLLWRKVA[Gly11Ala]ATVGPGPVPA